The following is an entry in ClinVar:

NM_020738.4(KIDINS220):c.1070A>G (p.Lys357Arg)

Gene: KIDINS220 (kinase D interacting substrate 220; minus strand). Cytogenetic location: 2p25.1.
Variant type: single nucleotide variant.
Coding change: c.1070A>G on transcript NM_020738.4 (MANE Select); coding-DNA position 1070, A replaced by G.
Protein change: p.Lys357Arg; replaces lysine 357 with arginine.
Molecular consequence: missense variant. On other transcripts: non-coding transcript variant (2).
Genome position (GRCh38, 1-based): chr2:8,796,799, T>C on the plus strand (A>G on the coding strand, the complement: KIDINS220 is on the minus strand). VCF-style: chr2-8796799-T-C. GRCh37 (hg19) VCF-style: chr2-8936929-T-C.
Other names: c.1073A>G, p.Lys358Arg (NM_001348729.2, NM_001348731.2, NM_001348734.2 and 3 more transcripts); c.1070A>G, p.Lys357Arg (NM_001348732.2, NM_001348735.2, NM_001348738.2 and 3 more transcripts); c.944A>G, p.Lys315Arg (NM_001348736.2); short protein forms K357R, K315R, K358R.
Identifiers: ClinVar variation 2853051 (VCV002853051.3), dbSNP rs2528103586, ClinGen allele CA345770484.

ClinVar aggregate classification (germline): Uncertain significance (1 of 4 stars; one submission).

Submission:

Labcorp Genetics (formerly Invitae), Labcorp
Classification: Uncertain significance. Last evaluated: 2024-01-10. Review status: criteria provided, single submitter. Criteria: Invitae Variant Classification Sherloc (09022015). Collection method: clinical testing. Allele origin: germline.
Comment: This sequence change replaces lysine, which is basic and polar, with arginine, which is basic and polar, at codon 357 of the KIDINS220 protein (p.Lys357Arg). This variant is not present in population databases (gnomAD no frequency). This variant has not been reported in the literature in individuals affected with KIDINS220-related conditions. An algorithm developed to predict the effect of missense changes on protein structure and function (PolyPhen-2) suggests that this variant is likely to be disruptive. In summary, the available evidence is currently insufficient to determine the role of this variant in disease. Therefore, it has been classified as a Variant of Uncertain Significance.